The following is an entry in ClinVar:

ClinVar aggregate classification (germline): Pathogenic/Likely pathogenic. Review status: criteria provided, multiple submitters, no conflicts (2 of 4 stars). 5 submissions from 5 submitters: Pathogenic (2); Likely pathogenic (3). Last evaluated 2026-04-14.

Conditions:
Benign recurrent intrahepatic cholestasis type 2 (BRIC2). Also called: Recurrent familial intrahepatic cholestasis 2. Identifiers: Orphanet 65682, Orphanet 99961, MedGen C2608083, MONDO:0011559, OMIM 605479.
Progressive familial intrahepatic cholestasis type 2. Identifiers: Orphanet 79304, MedGen C3489789, MONDO:0011156, OMIM 601847.
Progressive familial intrahepatic cholestasis type 1. Also called: Severe ATP8B1 Deficiency (Progressive Familial Intrahepatic Cholestasis Type 1 [PFIC1]); BYLER DISEASE; Byler's disease. Identifiers: Orphanet 79306, MedGen C4551898, MONDO:0008892, OMIM 211600.
Familial intrahepatic cholestasis. Identifiers: Orphanet 284385, MedGen CN296401, MONDO:0017290.

Allele frequency attached by ClinVar (database versions not stated): gnomAD exomes below 0.00001.
gnomAD v4.1: 7 of 1,612,690 alleles (0.00043%); highest among the groups gnomAD compares: Non-Finnish European, 0.00059%; no homozygotes.

Submissions (5):

Genomenon, Inc
Classification: Likely pathogenic for Familial intrahepatic cholestasis. Last evaluated: 2026-04-14. Review status: criteria provided, single submitter. Criteria: Genomenon Sequence Variant Interpretation Standards - Updated. Collection method: curation. Allele origin: germline. Affected: yes.
Comment: ABCB11 p.Ile541Leu (c.1621A>C) is a missense variant that changes the amino acid at residue 541 from Isoleucine to Leucine. This variant has been observed in at least one proband with an ABCB11-related disorder (PMID:34828443;32793533;31160058;16641580;18395098;16868810). The variant was found to segregate with disease in at least one affected family (PMID:18395098;16868810). Functional studies have been reported (PMID:19101985). It is absent or not present at a significant frequency in gnomAD. In silico models predict that this variant is possibly or probably damaging. In conclusion, we classify ABCB11 p.Ile541Leu (c.1621A>C) as a likely pathogenic variant.

Women's Health and Genetics/Laboratory Corporation of America, LabCorp
Classification: Pathogenic for Progressive familial intrahepatic cholestasis type 1. Last evaluated: 2025-07-15. Review status: criteria provided, single submitter. Criteria: LabCorp Variant Classification Summary - May 2015. Collection method: clinical testing. Allele origin: germline.
Comment: Variant summary: ABCB11 c.1621A>C (p.Ile541Leu) results in a conservative amino acid change in the encoded protein sequence. Algorithms developed to predict the effect of missense changes on protein structure and function are either unavailable or do not agree on the potential impact of this missense change. The variant allele was found at a frequency of 4e-06 in 248404 control chromosomes. c.1621A>C has been observed in individual(s) affected with Progressive familial intrahepatic cholestasis type 1 (Giovannoni_2015, Nobili_2006). These data indicate that the variant is likely to be associated with disease. A different variant affecting the same codon has been classified as likely pathogenic/pathogenic by our lab (c.1622T>C, p.Ile541Thr), supporting the critical relevance of codon 541 to ABCB11 protein function. At least one publication reports experimental evidence the variant disrupts normal protein function (Byrne_2009). The following publications have been ascertained in the context of this evaluation (PMID: 26678486, 16868810, 19101985). ClinVar contains an entry for this variant (Variation ID: 1446289). Based on the evidence outlined above, the variant was classified as pathogenic.

Broad Center for Mendelian Genomics, Broad Institute of MIT and Harvard
Classification: Likely pathogenic for Progressive familial intrahepatic cholestasis type 2. Last evaluated: 2025-01-27. Review status: criteria provided, single submitter. Criteria: ACMG Guidelines, 2015. Collection method: curation. Allele origin: germline. Inheritance: Autosomal recessive inheritance.
Comment: The p.Ile541Leu variant in ABCB11 has been reported in four individuals with BSEP deficiency (PMID: 16641580, 16868810, 18395098, 32793533), and has been identified in 0.0006% (7/1179140) of European (non-Finnish) chromosomes by the Genome Aggregation Database (gnomAD; dbSNP rs979738325). Although this variant has been seen in the general population in a heterozygous state, its frequency is low enough to be consistent with a recessive carrier frequency. This variant has also been reported in ClinVar (Variation ID: 1446289) and has been interpreted as pathogenic by Invitae. Of the 4 affected individuals, one of those was a homozygote and 2 were compound heterozygotes that carried reported likely pathogenic variants with unknown phase, which increases the likelihood that the p.Ile541Leu variant is pathogenic (PMID: 16868810, 16641580, 18395098; Variation ID: 6591). In vitro functional studies provide evidence that the p.Ile541Leu variant may impact protein function (PMID: 19101985). However, these types of assays may not accurately represent biological function. Computational prediction tools and conservation analyses suggest that this variant may impact the protein, though this information is not predictive enough to determine pathogenicity. In summary, although additional studies are required to fully establish its clinical significance, this variant is likely pathogenic for autosomal recessive BSEP deficiency. ACMG/AMP Criteria applied: PP3, PM2_supporting, PM3, PS3_moderate (Richards 2015).

Baylor Genetics
Classification: Likely pathogenic for Benign recurrent intrahepatic cholestasis type 2. Last evaluated: 2021-12-14. Review status: criteria provided, single submitter. Criteria: ACMG Guidelines, 2015. Collection method: clinical testing. Allele origin: unknown.

Labcorp Genetics (formerly Invitae), Labcorp
Classification: Pathogenic. Last evaluated: 2021-07-25. Review status: criteria provided, single submitter. Criteria: Invitae Variant Classification Sherloc (09022015). Collection method: clinical testing. Allele origin: germline.
Comment: For these reasons, this variant has been classified as Pathogenic. Studies have shown that this missense change alters ABCB11 gene expression (PMID: 19101985). Algorithms developed to predict the effect of missense changes on protein structure and function are either unavailable or do not agree on the potential impact of this missense change (SIFT: "Deleterious"; PolyPhen-2: "Possibly Damaging"; Align-GVGD: "Class C0"). This missense change has been observed in individuals with progressive familial intrahepatic cholestasis and/or progressive familial intrahepatic cholestasis type 2 (PMID: 16641580, 16868810, 18395098). It has also been observed to segregate with disease in related individuals. This variant is not present in population databases (ExAC no frequency). This sequence change replaces isoleucine with leucine at codon 541 of the ABCB11 protein (p.Ile541Leu). The isoleucine residue is highly conserved and there is a small physicochemical difference between isoleucine and leucine.

Literature cited by the submitters: PubMed 34828443 (cited by Genomenon, Inc); PubMed 32793533 (cited by Genomenon, Inc); PubMed 31160058 (cited by Genomenon, Inc); PubMed 16641580 (cited by Genomenon, Inc and Labcorp Genetics (formerly Invitae), Labcorp); PubMed 18395098 (cited by Genomenon, Inc and Labcorp Genetics (formerly Invitae), Labcorp); PubMed 16868810 (cited by 3 submitters); PubMed 19101985 (cited by 4 submitters); PubMed 26678486 (cited by Women's Health and Genetics/Laboratory Corporation of America, LabCorp).

NM_003742.4(ABCB11):c.1621A>C (p.Ile541Leu)

Gene: ABCB11 (ATP binding cassette subfamily B member 11; minus strand). Cytogenetic location: 2q31.1.
Variant type: single nucleotide variant.
Coding change: c.1621A>C on transcript NM_003742.4 (MANE Select); coding-DNA position 1621, A replaced by C.
Protein change: p.Ile541Leu; replaces isoleucine 541 with leucine.
Molecular consequence: missense variant.
Genome position (GRCh38, 1-based): chr2:168,971,864, T>G on the plus strand (A>C on the coding strand, the complement: ABCB11 is on the minus strand). VCF-style: chr2-168971864-T-G. GRCh37 (hg19) VCF-style: chr2-169828374-T-G.
Other names: NM_003742.4(ABCB11):c.1621A>C; p.Ile541Leu; short protein forms I541L.
Identifiers: ClinVar variation 1446289 (VCV001446289.10), dbSNP rs979738325, ClinGen allele CA59881211.
Genomic context (GRCh38, chr2:168,971,864, plus strand): 5'-TATGACCTCTTAGTTTCTCCCAGGAATGTATGGCTAGGGGTACCTGTGGCAGGTCCATGA[T>G]GAAGTTGTAGGCATTGGCCTCCTTGGCAGCTTGGACTATGTCTTCCATTGTTGCATCTTC-3'
Protein context (NP_003733.2, residues 531-551): AAKEANAYNF[Ile541Leu]MDLPQQFDTL